The following is an entry in ClinVar:

NM_001374736.1(DST):c.18577-2del

Gene: DST (dystonin; minus strand). Cytogenetic location: 6p12.1.
Variant type: Deletion.
Coding change: c.18577-2del on transcript NM_001374736.1 (MANE Select); the canonical splice acceptor site of the intron before coding-DNA position 18577, one base deleted (A; older notation c.18577-2delA).
Molecular consequence: splice acceptor variant.
Genome position (GRCh38, 1-based): chr6:56,511,402, T deleted on the plus strand (A on the coding strand, the reverse complement: DST is on the minus strand). VCF-style (leftmost placement, unchanged base first): chr6-56511401-CT-C. GRCh37 (hg19) VCF-style: chr6-56376199-CT-C.
Other names: c.12220-2del (NM_001144769.5); c.18577-2del (NM_001374722.1); c.18604-2del (NM_001374734.1); c.11806-2del (NM_001144770.2); c.11359-2del (NM_001374730.1); c.11686-2del (NM_001386100.1, NM_183380.4); c.17617-2del (NM_001374729.1); c.10708-2del (NM_015548.5).
Identifiers: ClinVar variation 2953356 (VCV002953356.3), dbSNP rs2534371010, ClinGen allele CA2740091371.

ClinVar aggregate classification (germline): Likely pathogenic (1 of 4 stars; one submission).

Conditions:
Hereditary sensory and autonomic neuropathy type 6. Also called: HSAN VI; Neuropathy, hereditary sensory and autonomic, type VI. Identifiers: Orphanet 314381, MedGen C3539003, MONDO:0013839, OMIM 614653.
Epidermolysis bullosa simplex 3, localized or generalized intermediate, with BP230 deficiency (EBS3). Also called: Epidermolysis bullosa simplex, autosomal recessive 2; Epidermolysis bullosa simplex due to BP230 deficiency. Identifiers: Orphanet 412181, MedGen C3809470, MONDO:0014180, OMIM 615425.

Submission:

Labcorp Genetics (formerly Invitae), Labcorp
Classification: Likely pathogenic for Epidermolysis bullosa simplex 3, localized or generalized intermediate, with BP230 deficiency; Hereditary sensory and autonomic neuropathy type 6. Last evaluated: 2023-10-28. Review status: criteria provided, single submitter. Criteria: Invitae Variant Classification Sherloc (09022015). Collection method: clinical testing. Allele origin: germline.
Comment: The DST gene has multiple clinically relevant transcripts. This variant occurs in alternate transcript NM_015548.4, and corresponds to NM_001723.5:c.*104115del in the primary transcript. This sequence change affects an acceptor splice site in intron 53 of the DST gene. It is expected to disrupt RNA splicing. Variants that disrupt the donor or acceptor splice site typically lead to a loss of protein function (PMID: 16199547), and loss-of-function variants in DST are known to be pathogenic (PMID: 22522446, 25059916, 30371979). This variant is not present in population databases (gnomAD no frequency). This variant has not been reported in the literature in individuals affected with DST-related conditions. Experimental studies and prediction algorithms are not available or were not evaluated, and the functional significance of this variant is currently unknown. In summary, the currently available evidence indicates that the variant is pathogenic, but additional data are needed to prove that conclusively. Therefore, this variant has been classified as Likely Pathogenic.

Literature cited by the submitters: PubMed 16199547; PubMed 22522446; PubMed 25059916; PubMed 30371979.